The following is an entry in ClinVar:

NM_003809.3(TNFSF12):c.275_276delinsAA (p.Arg92Gln)

Genes: TNFSF12-TNFSF13 (TNFSF12-TNFSF13 readthrough; plus strand), TNFSF12 (TNF superfamily member 12; plus strand). Cytogenetic location: 17p13.1.
Variant type: Indel.
Coding change: c.275_276delinsAA on transcript NM_003809.3 (MANE Select); coding-DNA positions 275 to 276, GC replaced by AA.
Protein change: p.Arg92Gln; replaces arginine 92 with glutamine.
Molecular consequence: missense variant. On other transcripts: non-coding transcript variant (1).
Genome position (GRCh38, 1-based): chr17:7,550,187-7,550,188, GC replaced by AA. VCF-style: chr17-7550187-GC-AA. GRCh37 (hg19) VCF-style: chr17-7453504-GC-AA.
Other names: c.275_276delinsAA, p.Arg92Gln (NM_172089.4); short protein forms R92Q.
Identifiers: ClinVar variation 1017023 (VCV001017023.9), dbSNP rs2070984989, ClinGen allele CA2245880629.
Genomic context (GRCh38, chr17:7,550,187, plus strand): 5'-ATCCCCAGACAGAAGAAAGCCAGGATCCTGCGCCTTTCCTGAACCGACTAGTTCGGCCTC[GC>AA]AGAAGTGGTGAGCATCCCTCTATCCCAACCTCAGGAAGCGGGCAGAGCAAAAACCATTAT-3'
Protein context (NP_003800.1, residues 82-102): APFLNRLVRP[Arg92Gln]RSAPKGRKTR

ClinVar aggregate classification (germline): Uncertain significance (1 of 4 stars; one submission).

Conditions:
Common variable immunodeficiency (CVID). Also called: Common variable hypogamma-globulinemia; Common variable agammaglobulinemia. Identifiers: Orphanet 1572, MedGen C0009447, MONDO:0015517.

Submission:

Labcorp Genetics (formerly Invitae), Labcorp
Classification: Uncertain significance for Common variable immunodeficiency. Last evaluated: 2024-03-22. Review status: criteria provided, single submitter. Criteria: Invitae Variant Classification Sherloc (09022015). Collection method: clinical testing. Allele origin: germline.
Comment: This sequence change replaces arginine, which is basic and polar, with glutamine, which is neutral and polar, at codon 92 of the TNFSF12 protein (p.Arg92Gln). This variant is present in population databases (no rsID available, gnomAD 0.0004%). This variant has not been reported in the literature in individuals affected with TNFSF12-related conditions. ClinVar contains an entry for this variant (Variation ID: 1017023). An algorithm developed to predict the effect of missense changes on protein structure and function (PolyPhen-2) suggests that this variant is likely to be disruptive. In summary, the available evidence is currently insufficient to determine the role of this variant in disease. Therefore, it has been classified as a Variant of Uncertain Significance.